The following is an entry in ClinVar:

NM_000051.4(ATM):c.8011-21_8015del

Genes: ATM (ATM serine/threonine kinase; plus strand), C11orf65 (chromosome 11 open reading frame 65; minus strand). Cytogenetic location: 11q22.3.
Variant type: Deletion.
Coding change: c.8011-21_8015del on transcript NM_000051.4 (MANE Select); 21 bases into the intron before coding-DNA position 8011 through coding-DNA position 8015, 26 bases deleted (TCATGTTTATACTTTTATTAGGTGGA).
Molecular consequence: splice acceptor variant. On other transcripts: intron variant (2).
Genome position (GRCh38, 1-based): chr11:108,334,948-108,334,973, TCATGTTTATACTTTTATTAGGTGGA deleted; deleting any 26 consecutive bases within chr11:108,334,947-108,334,973 gives the same sequence; the c. name uses the placement nearest the transcript's 3' end. VCF-style (leftmost placement, unchanged base first): chr11-108334946-AATCATGTTTATACTTTTATTAGGTGG-A. GRCh37 (hg19) VCF-style: chr11-108205673-AATCATGTTTATACTTTTATTAGGTGG-A.
Other names: c.8011-21_8015del (NM_001351834.2); c.641-25901_641-25876del (NM_001330368.2); c.*38+248_*38+273del (NM_001351110.2).
Identifiers: ClinVar variation 1761653 (VCV001761653.2), dbSNP rs2547327467, ClinGen allele CA2580083021.

ClinVar aggregate classification (germline): Likely pathogenic (1 of 4 stars; one submission).

Conditions:
Hereditary cancer-predisposing syndrome. Also called: Hereditary neoplastic syndrome; Neoplastic Syndromes, Hereditary; Tumor predisposition; Hereditary Cancer Syndrome. Identifiers: Orphanet 140162, MedGen C0027672, MeSH D009386, MONDO:0015356.

Submission:

Ambry Genetics
Classification: Likely pathogenic for Hereditary cancer-predisposing syndrome. Last evaluated: 2021-09-22. Review status: criteria provided, single submitter. Criteria: Ambry Variant Classification Scheme 2023. Collection method: clinical testing. Allele origin: germline.
Comment: The c.8011-21_8015del26 variant results from a deletion of 26 nucleotides between positions c.8011-21 and c.8015 and involves the canonical splice acceptor site before coding exon 54 of the ATM gene. The canonical splice acceptor site is highly conserved in available vertebrate species. In silico splice site analysis predicts that this alteration will weaken the native splice acceptor site and may result in the creation or strengthening of a novel acceptor site; however, direct evidence is insufficient at this time (Ambry internal data). Alterations that disrupt the canonical splice site are expected to cause aberrant splicing, resulting in an abnormal protein or a transcript that is subject to nonsense-mediated mRNA decay. As such, this alteration is classified as likely pathogenic.